The following is an entry in ClinVar:

NM_014714.4(IFT140):c.3272C>G (p.Ala1091Gly)

Gene: IFT140 (intraflagellar transport 140; minus strand). Cytogenetic location: 16p13.3.
Variant type: single nucleotide variant.
Coding change: c.3272C>G on transcript NM_014714.4 (MANE Select); coding-DNA position 3272, C replaced by G.
Protein change: p.Ala1091Gly; replaces alanine 1091 with glycine.
Molecular consequence: missense variant.
Genome position (GRCh38, 1-based): chr16:1,523,699, G>C on the plus strand (C>G on the coding strand, the complement: IFT140 is on the minus strand). VCF-style: chr16-1523699-G-C. GRCh37 (hg19) VCF-style: chr16-1573700-G-C.
Other names: c.3272C>G (NM_014714.3); short protein forms A1091G.
Identifiers: ClinVar variation 2801031 (VCV002801031.4), dbSNP rs1388883454, ClinGen allele CA394225521.
Genomic context (GRCh38, chr16:1,523,699, plus strand): 5'-TGTAGGGCCACAAACTGCTGGGTGGCAAAGGCCAGCTCCAGGGCCTTGGAGAAGTGGCCA[G>C]CCTGCGGATACGGTGGGCTCTGAGCAGCTGCCCGAGGCCTGGGGGCCCGAGCACGGAGGC-3'
Protein context (NP_055529.2, residues 1081-1101): MDRAVMLYHK[Ala1091Gly]GHFSKALELA

ClinVar aggregate classification (germline): Uncertain significance. Review status: criteria provided, multiple submitters, no conflicts (2 of 4 stars). 2 submissions from 2 submitters: Uncertain significance (2). Last evaluated 2026-03-12.

Conditions:
Inborn genetic diseases. Identifiers: MedGen C0950123, MeSH D030342.
Saldino-Mainzer syndrome (SRTD9). Also called: CONORENAL SYNDROME; Renal dysplasia, retinal pigmentary dystrophy, cerebellar ataxia and skeletal dysplasia; SHORT-RIB THORACIC DYSPLASIA 9 WITHOUT POLYDACTYLY; short-rib thoracic dysplasia 9 with or without polydactyly. Identifiers: Orphanet 140969, MedGen C1849437, MONDO:0009964, OMIM 266920.

Allele frequency attached by ClinVar (database versions not stated): gnomAD exomes below 0.00001.
gnomAD v4.1: 2 of 1,613,062 alleles (0.00012%); highest among the groups gnomAD compares: African/African-American, 0.0013%; no homozygotes.

Submissions (2):

Ambry Genetics
Classification: Uncertain significance for Inborn genetic diseases. Last evaluated: 2026-03-12. Review status: criteria provided, single submitter. Criteria: Ambry Variant Classification Scheme 2023. Collection method: clinical testing. Allele origin: germline.

Labcorp Genetics (formerly Invitae), Labcorp
Classification: Uncertain significance for Saldino-Mainzer syndrome. Last evaluated: 2024-10-29. Review status: criteria provided, single submitter. Criteria: Invitae Variant Classification Sherloc (09022015). Collection method: clinical testing. Allele origin: germline.
Comment: This sequence change replaces alanine, which is neutral and non-polar, with glycine, which is neutral and non-polar, at codon 1091 of the IFT140 protein (p.Ala1091Gly). This variant is present in population databases (no rsID available, gnomAD 0.007%). This variant has not been reported in the literature in individuals affected with IFT140-related conditions. An algorithm developed to predict the effect of missense changes on protein structure and function (PolyPhen-2) suggests that this variant is likely to be tolerated. In summary, the available evidence is currently insufficient to determine the role of this variant in disease. Therefore, it has been classified as a Variant of Uncertain Significance.